The following is an entry in ClinVar:

NM_000447.3(PSEN2):c.364A>C (p.Thr122Pro)

Gene: PSEN2 (presenilin 2; plus strand). Cytogenetic location: 1q42.13.
Variant type: single nucleotide variant.
Coding change: c.364A>C on transcript NM_000447.3 (MANE Select); coding-DNA position 364, A replaced by C.
Protein change: p.Thr122Pro; replaces threonine 122 with proline.
Molecular consequence: missense variant.
Genome position (GRCh38, 1-based): chr1:226,885,545, A>C. VCF-style: chr1-226885545-A-C. GRCh37 (hg19) VCF-style: chr1-227073246-A-C.
Other names: c.364A>C, p.Thr122Pro (NM_012486.3); short protein forms T122P.
Identifiers: ClinVar variation 8849 (VCV000008849.44), dbSNP rs63749851, ClinGen allele CA224950.
Genomic context (GRCh38, chr1:226,885,545, plus strand): 5'-GCCTCGAGGAGCAGTCAGGGCCGGGAGCATCAGCCCTTTGCCTTCTCCCTCAGCATCTAC[A>C]CGCCATTCACTGAGGACACACCCTCGGTGGGCCAGCGCCTCCTCAACTCCGTGCTGAACA-3'
Protein context (NP_000438.2, residues 112-132): YTEKNGQLIY[Thr122Pro]PFTEDTPSVG

ClinVar aggregate classification (germline): Pathogenic/Likely pathogenic. Review status: criteria provided, multiple submitters, no conflicts (2 of 4 stars). 4 submissions from 4 submitters: Pathogenic (1); Likely pathogenic (1). 2 of the submissions do not count toward it. Last evaluated 2023-03-01.

Conditions:
Alzheimer disease 4 (AD4). Identifiers: Orphanet 1020, MedGen C1847200, MONDO:0011743, OMIM 606889.

Submissions (4):

CeGaT Center for Human Genetics Tuebingen
Classification: Pathogenic. Last evaluated: 2023-03-01. Review status: criteria provided, single submitter. Criteria: CeGaT Center For Human Genetics Tuebingen Variant Classification Criteria Version 2. Collection method: clinical testing. Allele origin: germline. Affected: yes. Observed: 3 variant alleles.
Comment: PSEN2: PM2, PM5, PS3:Moderate, PS4:Moderate, PP1, PP4

Athena Diagnostics
Classification: Likely pathogenic. Last evaluated: 2017-05-03. Review status: criteria provided, single submitter. Criteria: Athena Diagnostics Criteria. Collection method: clinical testing. Allele origin: germline.

OMIM
Classification: Pathogenic for ALZHEIMER DISEASE, FAMILIAL, 4. Last evaluated: 2000-01-01. Review status: no assertion criteria provided. Collection method: literature only. Allele origin: germline. Not counted in ClinVar's aggregate classification.

VIB  Department of Molecular Genetics, University of Antwerp
No classification provided. Review status: no classification provided. Collection method: not provided. Allele origin: unknown. Not counted in ClinVar's aggregate classification.

Literature cited by the submitters: PubMed 15776278 (cited by Athena Diagnostics); PubMed 11193137 (cited by Athena Diagnostics); PubMed 12549925 (cited by Athena Diagnostics); PubMed 28350801 (cited by Athena Diagnostics); PubMed 27293189 (cited by Athena Diagnostics); PubMed 27883225 (cited by Athena Diagnostics); PubMed 10631141 (cited by Athena Diagnostics and OMIM); PubMed 15663477 (cited by Athena Diagnostics); PubMed 21285369 (cited by OMIM).